The following is an entry in ClinVar:

ClinVar aggregate classification (germline): Benign (0 of 4 stars; one submission).

Conditions:
ARFGEF3-related disorder. Also called: ARFGEF3-related condition.

Allele frequency attached by ClinVar (database versions not stated): 1000 Genomes Project 0.04034; 1000 Genomes Project 30x 0.04403; gnomAD exomes 0.04737; ESP Exome Variant Server 0.04928; ExAC 0.04984; TOPMed 0.05123; gnomAD 0.05174.
gnomAD v4.1: 65,782 of 1,374,478 alleles (4.8%); highest among the groups gnomAD compares: African/African-American, 7.5%; 1,707 homozygotes.

Submission:

PreventionGenetics, part of Exact Sciences
Classification: Benign for ARFGEF3-related condition. Last evaluated: 2019-03-22. Review status: no assertion criteria provided. Collection method: clinical testing. Allele origin: germline.
Comment: This variant is classified as benign based on ACMG/AMP sequence variant interpretation guidelines (Richards et al. 2015 PMID: 25741868, with internal and published modifications).

NM_020340.5(ARFGEF3):c.4766+10T>C

Gene: ARFGEF3 (ARFGEF family member 3; plus strand). Cytogenetic location: 6q24.1.
Variant type: single nucleotide variant.
Coding change: c.4766+10T>C on transcript NM_020340.5 (MANE Select); 10 bases into the intron after coding-DNA position 4766, T replaced by C.
Molecular consequence: intron variant.
Genome position (GRCh38, 1-based): chr6:138,321,235, T>C. VCF-style: chr6-138321235-T-C. GRCh37 (hg19) VCF-style: chr6-138642372-T-C.
Identifiers: ClinVar variation 3057190 (VCV003057190.2), dbSNP rs77518804, ClinGen allele CA4021437.